The following is an entry in ClinVar:

ClinVar aggregate classification (germline): Pathogenic (1 of 4 stars; one submission).

Conditions:
Gaucher disease. Also called: Acute cerebral Gaucher disease; Cerebroside lipidosis syndrome; Gaucher splenomegaly; Sphingolipidosis 1; Glucocerebrosidosis; Glucosylceramidase deficiency. Identifiers: Orphanet 355, MedGen C0017205, MONDO:0018150.

gnomAD v4.1: 1 of 1,614,058 alleles (0.000062%); highest among the groups gnomAD compares: Non-Finnish European, 0.000085%; no homozygotes.

Submission:

Women's Health and Genetics/Laboratory Corporation of America, LabCorp
Classification: Pathogenic for Gaucher disease. Last evaluated: 2020-10-01. Review status: criteria provided, single submitter. Criteria: LabCorp Variant Classification Summary - May 2015. Collection method: clinical testing. Allele origin: germline.
Comment: Variant summary: GBA c.334C>T (p.Gln112X) results in a premature termination codon, predicted to cause a truncation of the encoded protein or absence of the protein due to nonsense mediated decay, which are commonly known mechanisms for disease. Truncations downstream of this position have been classified as pathogenic by our laboratory. The variant was absent in 251474 control chromosomes. c.334C>T has been reported in the literature in at-least one individual with Gaucher disease that has been subsequently cited by others (example, Beutler_2005, Hruska_2008) and as a heterozygous variant in one patient with a mixed parkinsonism-cerebellar subtype MSA having a neuropathological phenotype with no evidence of concomitant Lewy body pathology (Wernick_2020). These data indicate that the variant may be associated with disease. To our knowledge, no experimental evidence demonstrating an impact on protein function has been reported. No clinical diagnostic laboratories have submitted clinical-significance assessments for this variant to ClinVar after 2014. Based on the evidence outlined above, the variant was classified as pathogenic.

Literature cited by the submitters: PubMed 18338393; PubMed 16185900; PubMed 32623306.

NM_000157.4(GBA1):c.334C>T (p.Gln112Ter)

Genes: GBA1 (glucosylceramidase beta 1; minus strand), LOC106627981 (GBA recombination region; plus strand). Cytogenetic location: 1q22.
Variant type: single nucleotide variant.
Coding change: c.334C>T on transcript NM_000157.4 (MANE Select); coding-DNA position 334, C replaced by T.
Protein change: p.Gln112Ter; replaces glutamine 112 with a stop codon.
Molecular consequence: nonsense. On other transcripts: intron variant (1).
Genome position (GRCh38, 1-based): chr1:155,239,736, G>A on the plus strand (C>T on the coding strand, the complement: GBA1 is on the minus strand). VCF-style: chr1-155239736-G-A. GRCh37 (hg19) VCF-style: chr1-155209527-G-A.
Other names: c.334C>T, p.Gln112Ter (NM_001005741.3, NM_001005742.3); c.73C>T, p.Gln25Ter (NM_001171811.2); c.307+150C>T (NM_001171812.2); short protein forms Q112*, Q25*.
Identifiers: ClinVar variation 984479 (VCV000984479.2), dbSNP rs1671974195, ClinGen allele CA342726461.